The following is an entry in ClinVar:

NM_017986.4(SLC52A1):c.923A>G (p.Tyr308Cys)

Gene: SLC52A1 (solute carrier family 52 member 1; minus strand). Cytogenetic location: 17p13.2.
Variant type: single nucleotide variant.
Coding change: c.923A>G on transcript NM_017986.4 (MANE Select); coding-DNA position 923, A replaced by G.
Protein change: p.Tyr308Cys; replaces tyrosine 308 with cysteine.
Molecular consequence: missense variant.
Genome position (GRCh38, 1-based): chr17:5,033,566, T>C on the plus strand (A>G on the coding strand, the complement: SLC52A1 is on the minus strand). VCF-style: chr17-5033566-T-C. GRCh37 (hg19) VCF-style: chr17-4936861-T-C.
Other names: c.923A>G, p.Tyr308Cys (NM_001104577.2); short protein forms Y308C.
Identifiers: ClinVar variation 1421561 (VCV001421561.10), dbSNP rs141719111, ClinGen allele CA8319685.

ClinVar aggregate classification (germline): Uncertain significance. Review status: criteria provided, multiple submitters, no conflicts (2 of 4 stars). 2 submissions from 2 submitters: Uncertain significance (2). Last evaluated 2024-09-05.

Conditions:
Ariboflavinosis. Identifiers: MedGen C5779638, MONDO:0004573, OMIM 615026.
Vitamin B2 deficiency. Identifiers: MedGen C0035528.

Allele frequency attached by ClinVar (database versions not stated): ExAC 0.00007; gnomAD exomes 0.00007; 1000 Genomes Project 30x 0.00016; 1000 Genomes Project 0.00020; gnomAD 0.00040 and 0.00046; TOPMed 0.00048; ESP Exome Variant Server 0.00054.
gnomAD v4.1: 106 of 1,613,910 alleles (0.0066%); highest among the groups gnomAD compares: African/African-American, 0.13%; 1 homozygote.

Submissions (2):

Labcorp Genetics (formerly Invitae), Labcorp
Classification: Uncertain significance for Vitamin B2 deficiency. Last evaluated: 2024-09-05. Review status: criteria provided, single submitter. Criteria: Invitae Variant Classification Sherloc (09022015). Collection method: clinical testing. Allele origin: germline.
Comment: This sequence change replaces tyrosine, which is neutral and polar, with cysteine, which is neutral and slightly polar, at codon 308 of the SLC52A1 protein (p.Tyr308Cys). This variant is present in population databases (rs141719111, gnomAD 0.09%), and has an allele count higher than expected for a pathogenic variant. This variant has not been reported in the literature in individuals affected with SLC52A1-related conditions. ClinVar contains an entry for this variant (Variation ID: 1421561). Invitae Evidence Modeling of protein sequence and biophysical properties (such as structural, functional, and spatial information, amino acid conservation, physicochemical variation, residue mobility, and thermodynamic stability) indicates that this missense variant is expected to disrupt SLC52A1 protein function with a positive predictive value of 80%. In summary, the available evidence is currently insufficient to determine the role of this variant in disease. Therefore, it has been classified as a Variant of Uncertain Significance.

Revvity Omics, Revvity
Classification: Uncertain significance for Ariboflavinosis. Last evaluated: 2022-10-07. Review status: criteria provided, single submitter. Criteria: ACMG Guidelines, 2015. Collection method: clinical testing. Allele origin: germline.